The following is an entry in ClinVar:

ClinVar aggregate classification (germline): Uncertain significance (1 of 4 stars; one submission).

Submission:

GeneDx
Classification: Uncertain significance. Last evaluated: 2019-01-30. Review status: criteria provided, single submitter. Criteria: GeneDx Variant Classification Process June 2021. Collection method: clinical testing. Allele origin: germline. Affected: yes.
Comment: Not observed in large population cohorts (Lek et al., 2016); In silico analysis, which includes protein predictors and evolutionary conservation, supports a deleterious effect; Has not been previously published as pathogenic or benign to our knowledge

NM_001308093.3(GATA4):c.683T>C (p.Leu228Pro)

Gene: GATA4 (GATA binding protein 4). Cytogenetic location: 8p23.1.
Variant type: single nucleotide variant.
Coding change: c.683T>C on transcript NM_001308093.3 (MANE Select); coding-DNA position 683, T replaced by C.
Protein change: p.Leu228Pro; replaces leucine 228 with proline.
Molecular consequence: missense variant.
Genome position (GRCh38, 1-based): chr8:11,748,982, T>C. VCF-style: chr8-11748982-T-C. GRCh37 (hg19) VCF-style: chr8-11606491-T-C.
Other names: c.62T>C, p.Leu21Pro (NM_001308094.2, NM_001374273.1, NM_001374274.1); c.680T>C, p.Leu227Pro (NM_002052.5); short protein forms L21P, L227P, L228P.
Identifiers: ClinVar variation 1305195 (VCV001305195.2), dbSNP rs2130306978, ClinGen allele CA370312664.